The following is an entry in ClinVar:

NM_002016.2(FLG):c.5671C>A (p.Arg1891=)

Genes: CCDST (cervical cancer associated DHX9 suppressive transcript; plus strand), FLG (filaggrin; minus strand). Cytogenetic location: 1q21.3.
Variant type: single nucleotide variant.
Coding change: c.5671C>A on transcript NM_002016.2 (MANE Select); coding-DNA position 5671, C replaced by A.
Protein change: p.Arg1891=; no amino-acid change (arginine 1891 retained).
Molecular consequence: synonymous variant.
Genome position (GRCh38, 1-based): chr1:152,309,215, G>T on the plus strand (C>A on the coding strand, the complement: FLG is on the minus strand). VCF-style: chr1-152309215-G-T. GRCh37 (hg19) VCF-style: chr1-152281691-G-T.
Identifiers: ClinVar variation 2639281 (VCV002639281.24), dbSNP rs36006086, ClinGen allele CA1105656.

ClinVar aggregate classification (germline): Likely benign (1 of 4 stars; one submission).

Allele frequency attached by ClinVar (database versions not stated): 1000 Genomes Project 30x 0.00016.
gnomAD v4.1: 36 of 1,613,506 alleles (0.0022%); highest among the groups gnomAD compares: South Asian, 0.036%; 1 homozygote.

Submission:

CeGaT Center for Human Genetics Tuebingen
Classification: Likely benign. Last evaluated: 2022-07-01. Review status: criteria provided, single submitter. Criteria: CeGaT Center For Human Genetics Tuebingen Variant Classification Criteria Version 2. Collection method: clinical testing. Allele origin: germline. Affected: yes. Observed: 1 variant allele.
Comment: FLG: BP4, BP7